The following is an entry in ClinVar:

NM_018429.3(BDP1):c.7060A>C (p.Asn2354His)

Gene: BDP1 (BDP1 general transcription factor IIIB subunit; plus strand). Cytogenetic location: 5q13.2.
Variant type: single nucleotide variant.
Coding change: c.7060A>C on transcript NM_018429.3 (MANE Select); coding-DNA position 7060, A replaced by C.
Protein change: p.Asn2354His; replaces asparagine 2354 with histidine.
Molecular consequence: missense variant.
Genome position (GRCh38, 1-based): chr5:71,553,180, A>C. VCF-style: chr5-71553180-A-C. GRCh37 (hg19) VCF-style: chr5-70849007-A-C.
Other names: short protein forms N2354H.
Identifiers: ClinVar variation 4984367 (VCV004984367.1).

ClinVar aggregate classification (germline): Uncertain significance (1 of 4 stars; one submission).

Conditions:
BDP1-related disorder. Also called: BDP1-related condition.

gnomAD v4.1: 13 of 1,613,238 alleles (0.00081%); highest among the groups gnomAD compares: Admixed American, 0.0067%; no homozygotes.

Submission:

PreventionGenetics, part of Exact Sciences
Classification: Uncertain significance for BDP1-related condition. Last evaluated: 2025-11-24. Review status: criteria provided, single submitter. Criteria: ACMG Guidelines, 2015. Collection method: clinical testing. Allele origin: germline.
Comment: The BDP1 c.7060A>C variant is predicted to result in the amino acid substitution p.Asn2354His. To our knowledge, this variant has not been reported in the literature. This variant is reported in 0.00088% of alleles in individuals of European (Non-Finnish) descent in gnomAD. At this time, the clinical significance of this variant is uncertain due to the absence of conclusive functional and genetic evidence.